The following is an entry in ClinVar:

NM_007294.4(BRCA1):c.4750G>T (p.Ala1584Ser)

Gene: BRCA1 (BRCA1 DNA repair associated; minus strand). Cytogenetic location: 17q21.31.
Variant type: single nucleotide variant.
Coding change: c.4750G>T on transcript NM_007294.4 (MANE Select); coding-DNA position 4750, G replaced by T.
Protein change: p.Ala1584Ser; replaces alanine 1584 with serine.
Molecular consequence: missense variant. On other transcripts: non-coding transcript variant (1).
Genome position (GRCh38, 1-based): chr17:43,071,164, C>A on the plus strand (G>T on the coding strand, the complement: BRCA1 is on the minus strand). VCF-style: chr17-43071164-C-A. GRCh37 (hg19) VCF-style: chr17-41223181-C-A.
Other names: p.A1584S:GCC>TCC; 4869G>T; c.4747G>T, p.Ala1583Ser (NM_001407859.1, NM_001407860.1, NM_001407610.1 and 17 more transcripts); c.4744G>T, p.Ala1582Ser (NM_001407861.1, NM_001407627.1, NM_001407628.1 and 14 more transcripts); c.4549G>T, p.Ala1517Ser (NM_001407862.1); c.4624G>T, p.Ala1542Ser (NM_001407863.1, NM_001407670.1, NM_001407671.1 and 11 more transcripts); c.4543G>T, p.Ala1515Ser (NM_001407874.1, NM_001407875.1); c.4540G>T, p.Ala1514Ser (NM_001407879.1, NM_001407881.1, NM_001407882.1 and 5 more transcripts); and 72 more; short protein forms A1584S, A480S, A1537S, A1605S, A1287S, A1473S, A1494S, A1517S.
Identifiers: ClinVar variation 55279 (VCV000055279.22), dbSNP rs80357070, ClinGen allele CA003005.

ClinVar aggregate classification (germline): Likely benign. Review status: criteria provided, multiple submitters, no conflicts (2 of 4 stars). 8 submissions from 8 submitters: Likely benign (6). 2 of the submissions do not count toward it. Last evaluated 2025-12-08.

Conditions:
Hereditary cancer-predisposing syndrome. Also called: Hereditary Cancer Syndrome; Hereditary neoplastic syndrome; Neoplastic Syndromes, Hereditary; Tumor predisposition. Identifiers: Orphanet 140162, MedGen C0027672, MeSH D009386, MONDO:0015356.
Breast-ovarian cancer, familial, susceptibility to, 1 (BROVCA1). Also called: BRCA1 Hereditary Breast and Ovarian Cancer; OVARIAN CANCER, SUSCEPTIBILITY TO. Identifiers: Orphanet 145, MedGen C2676676, MONDO:0011450, OMIM 604370. Disease mechanism: loss of function.
BRCA1-related cancer predisposition. Identifiers: MedGen CN377757, MONDO:0700268.
Hereditary breast ovarian cancer syndrome. Also called: BRCA1- and BRCA2-Associated Hereditary Breast and Ovarian Cancer; Hereditary breast and ovarian cancer syndrome; Hereditary breast and ovarian cancer syndrome (HBOC); Breast and ovarian cancer; Hereditary breast and/or ovarian cancer syndrome; Hereditary breast and ovarian cancer. Identifiers: Orphanet 145, MedGen C0677776, MeSH D061325, MONDO:0003582. Disease mechanism: loss of function.

Allele frequency attached by ClinVar (database versions not stated): gnomAD 0.00001; TOPMed 0.00001; gnomAD exomes 0.00002.
gnomAD v4.1: 29 of 1,614,084 alleles (0.0018%); highest among the groups gnomAD compares: Non-Finnish European, 0.0024%; no homozygotes.

Submissions (8):

Labcorp Genetics (formerly Invitae), Labcorp
Classification: Likely benign for Hereditary breast ovarian cancer syndrome. Last evaluated: 2025-12-08. Review status: criteria provided, single submitter. Criteria: Invitae Variant Classification Sherloc (09022015). Collection method: clinical testing. Allele origin: germline.

Women's Health and Genetics/Laboratory Corporation of America, LabCorp
Classification: Likely benign. Last evaluated: 2025-05-14. Review status: criteria provided, single submitter. Criteria: LabCorp Variant Classification Summary - May 2015. Collection method: clinical testing. Allele origin: germline.
Comment: Variant summary: BRCA1 c.4750G>T (p.Ala1584Ser) results in a conservative amino acid change in the encoded protein sequence. Five of five in-silico tools predict a benign effect of the variant on protein function. The variant was absent in 251362 control chromosomes. The available data on variant occurrences in the general population are insufficient to allow any conclusion about variant significance. c.4750G>T has been reported in the literature in individuals affected with Hereditary Breast And Ovarian Cancer Syndrome (Borg_2010, Capanu_2011), without strong evidence for causality. In a large study evaluating breast cancer cases and controls in the Breast Cancer Association Consortium (BCAC), the variant was reported in 2/60466 cases, but was also found in 1/53461 controls (Dorling_2021 through LOVD). These report(s) do not provide unequivocal conclusions about association of the variant with Hereditary Breast And Ovarian Cancer Syndrome. Co-occurrences with other pathogenic variant(s) have been reported at our lab (BRCA1 c.4756G>T, p.Glu1586Ter), providing supporting evidence for a benign role. At least one publication reports experimental evidence evaluating an impact on protein function using transcriptional activation assay at a high-throughput manner with many other variants in BRCA1 (Fernandes_2019). These results showed no damaging effect of this variant. The following publications have been ascertained in the context of this evaluation (PMID: 20104584, 21520273, 33471991, 30765603, 15385441, 23704879). ClinVar contains an entry for this variant (Variation ID: 55279). Based on the evidence outlined above, the variant was classified as likely benign.

All of Us Research Program, National Institutes of Health
Classification: Likely benign for BRCA1-related cancer predisposition. Last evaluated: 2024-08-06. Review status: criteria provided, single submitter. Criteria: ACMG Guidelines, 2015. Collection method: clinical testing. Allele origin: germline. Inheritance: Autosomal dominant inheritance. Observed: 3 variant alleles, 3 heterozygotes.
Comment: This study involves interpretation of variants in research participants for the purpose of population health screening. Participant phenotype was not available at the time of variant classification. Additional details can be found in publication PMID: 35346344, PMCID: PMC8962531

Ambry Genetics
Classification: Likely benign for Hereditary cancer-predisposing syndrome. Last evaluated: 2019-02-25. Review status: criteria provided, single submitter. Criteria: Ambry Variant Classification Scheme 2023. Collection method: clinical testing. Allele origin: germline.

GeneDx
Classification: Likely benign. Last evaluated: 2018-01-15. Review status: criteria provided, single submitter. Criteria: GeneDx Variant Classification (06012015). Collection method: clinical testing. Allele origin: germline. Affected: yes.
Comment: This variant is considered likely benign or benign based on one or more of the following criteria: it is a conservative change, it occurs at a poorly conserved position in the protein, it is predicted to be benign by multiple in silico algorithms, and/or has population frequency not consistent with disease.

Color Diagnostics, LLC DBA Color Health
Classification: Likely benign for Hereditary cancer-predisposing syndrome. Last evaluated: 2016-07-11. Review status: criteria provided, single submitter. Criteria: ACMG Guidelines, 2015. Collection method: clinical testing. Allele origin: germline.

Sharing Clinical Reports Project (SCRP)
Classification: Likely benign for Breast-ovarian cancer, familial 1. Last evaluated: 2012-05-01. Review status: no assertion criteria provided. Collection method: clinical testing. Allele origin: germline. Not counted in ClinVar's aggregate classification.

Breast Cancer Information Core (BIC) (BRCA1)
Classification: Uncertain significance for Breast-ovarian cancer, familial 1. Last evaluated: 2004-02-20. Review status: no assertion criteria provided. Collection method: clinical testing. Allele origin: germline. Affected: yes. Observed: 2 variant alleles. Not counted in ClinVar's aggregate classification.

Literature cited by the submitters: PubMed 15385441 (cited by Women's Health and Genetics/Laboratory Corporation of America, LabCorp); PubMed 20104584 (cited by Women's Health and Genetics/Laboratory Corporation of America, LabCorp and Ambry Genetics); PubMed 21520273 (cited by Women's Health and Genetics/Laboratory Corporation of America, LabCorp); PubMed 23704879 (cited by Women's Health and Genetics/Laboratory Corporation of America, LabCorp); PubMed 30765603 (cited by Women's Health and Genetics/Laboratory Corporation of America, LabCorp); PubMed 33471991 (cited by Women's Health and Genetics/Laboratory Corporation of America, LabCorp).